The following is an entry in ClinVar:

NM_017672.6(TRPM7):c.806C>G (p.Thr269Ser)

Gene: TRPM7 (transient receptor potential cation channel subfamily M member 7; minus strand). Cytogenetic location: 15q21.2.
Variant type: single nucleotide variant.
Coding change: c.806C>G on transcript NM_017672.6 (MANE Select); coding-DNA position 806, C replaced by G.
Protein change: p.Thr269Ser; replaces threonine 269 with serine.
Molecular consequence: missense variant. On other transcripts: non-coding transcript variant (3).
Genome position (GRCh38, 1-based): chr15:50,637,448, G>C on the plus strand (C>G on the coding strand, the complement: TRPM7 is on the minus strand). VCF-style: chr15-50637448-G-C. GRCh37 (hg19) VCF-style: chr15-50929645-G-C.
Other names: c.806C>G, p.Thr269Ser (NM_001301212.2); short protein forms T269S.
Identifiers: ClinVar variation 3462224 (VCV003462224.2).

ClinVar aggregate classification (germline): Uncertain significance. Review status: criteria provided, multiple submitters, no conflicts (2 of 4 stars). 2 submissions from 2 submitters: Uncertain significance (2). Last evaluated 2025-11-26.

gnomAD v4.1: 446 of 1,611,494 alleles (0.028%); highest among the groups gnomAD compares: Non-Finnish European, 0.036%; no homozygotes.

Submissions (2):

Women's Health and Genetics/Laboratory Corporation of America, LabCorp
Classification: Uncertain significance. Last evaluated: 2025-11-26. Review status: criteria provided, single submitter. Criteria: LabCorp Variant Classification Summary - May 2015. Collection method: clinical testing. Allele origin: germline.
Comment: Variant summary: TRPM7 c.806C>G (p.Thr269Ser) results in a conservative amino acid change in the encoded protein sequence. Algorithms developed to predict the effect of missense changes on protein structure and function all suggest that this variant is likely to be tolerated. The variant allele was found at a frequency of 9e-05 in 245716 control chromosomes. This frequency is not significantly higher than estimated for disease-causing variants in TRPM7, allowing no conclusion about variant significance. To our knowledge, no occurrence of c.806C>G in individuals affected with TRPM7-related conditions and no experimental evidence demonstrating its impact on protein function have been reported. ClinVar contains an entry for this variant (Variation ID: 3462224). Based on the evidence outlined above, the variant was classified as uncertain significance.

Ambry Genetics
Classification: Uncertain significance. Last evaluated: 2024-10-04. Review status: criteria provided, single submitter. Criteria: Ambry Variant Classification Scheme 2023. Collection method: clinical testing. Allele origin: germline.